The following is an entry in ClinVar:

NM_000321.3(RB1):c.2065C>T (p.Gln689Ter)

Gene: RB1 (RB transcriptional corepressor 1; plus strand). Cytogenetic location: 13q14.2.
Variant type: single nucleotide variant.
Coding change: c.2065C>T on transcript NM_000321.3 (MANE Select); coding-DNA position 2065, C replaced by T.
Protein change: p.Gln689Ter; replaces glutamine 689 with a stop codon.
Molecular consequence: nonsense.
Genome position (GRCh38, 1-based): chr13:48,459,792, C>T. VCF-style: chr13-48459792-C-T. GRCh37 (hg19) VCF-style: chr13-49033928-C-T.
Other names: short protein forms Q689*.
Identifiers: ClinVar variation 572110 (VCV000572110.11), dbSNP rs1566235470, ClinGen allele CA388166881.
Genomic context (GRCh38, chr13:48,459,792, plus strand): 5'-CTTCTGTCTGAGCACCCAGAATTAGAACATATCATCTGGACCCTTTTCCAGCACACCCTG[C>T]AGAATGAGTATGAACTCATGAGAGACAGGCATTTGGACCAAGTAAGAAAATCAAGCACTT-3'

ClinVar aggregate classification (germline): Pathogenic. Review status: criteria provided, multiple submitters, no conflicts (2 of 4 stars). 3 submissions from 3 submitters: Pathogenic (3). Last evaluated 2024-09-03.

Conditions:
Retinoblastoma (RB1). Also called: RETINOBLASTOMA, SOMATIC. Identifiers: Orphanet 790, MedGen C0035335, MeSH D012175, MONDO:0008380, OMIM 180200, HP:0009919. Disease mechanism: loss of function. Inheritance: Both sporadic and heritable forms are tested..

Submissions (3):

GeneDx
Classification: Pathogenic. Last evaluated: 2024-09-03. Review status: criteria provided, single submitter. Criteria: GeneDx Variant Classification Process June 2021. Collection method: clinical testing. Allele origin: germline. Affected: yes.
Comment: Nonsense variant predicted to result in protein truncation or nonsense mediated decay in a gene for which loss of function is a known mechanism of disease; Not observed at significant frequency in large population cohorts (gnomAD); This variant is associated with the following publications: (PMID: 38454873, 28193182)

Genetic Diagnostic Laboratory, University of Pennsylvania School of Medicine
Classification: Pathogenic for Retinoblastoma. Last evaluated: 2024-05-20. Review status: criteria provided, single submitter. Criteria: ACMG Guidelines, 2015. Collection method: clinical testing. Allele origin: germline. Affected: yes. Observed: 1 variant allele.
Comment: Case and Pedigree Information: BILATERAL CASES:1, UNILATERAL CASES:0, TOTAL CASES:1, PEDIGREES:1. ACMG Codes Applied:PVS1, PM2

Labcorp Genetics (formerly Invitae), Labcorp
Classification: Pathogenic for Retinoblastoma. Last evaluated: 2018-10-07. Review status: criteria provided, single submitter. Criteria: Invitae Variant Classification Sherloc (09022015). Collection method: clinical testing. Allele origin: germline.
Comment: This variant is not present in population databases (ExAC no frequency). For these reasons, this variant has been classified as Pathogenic. Loss-of-function variants in RB1 are known to be pathogenic (PMID: 17096365). This variant has been observed to be de novo in an individual affected with retinoblastoma (PMID: 28193182). This variant is also known as g.156797C>T in the literature. This sequence change creates a premature translational stop signal (p.Gln689*) in the RB1 gene. It is expected to result in an absent or disrupted protein product.

Literature cited by the submitters: PubMed 17096365 (cited by Labcorp Genetics (formerly Invitae), Labcorp); PubMed 28193182 (cited by Labcorp Genetics (formerly Invitae), Labcorp).